The following is an entry in ClinVar:

ClinVar aggregate classification (germline): Likely benign (1 of 4 stars; one submission).

gnomAD v4.1: 78 of 1,614,026 alleles (0.0048%); highest among the groups gnomAD compares: Non-Finnish European, 0.0058%; no homozygotes.

Submission:

CeGaT Center for Human Genetics Tuebingen
Classification: Likely benign. Last evaluated: 2026-07-01. Review status: criteria provided, single submitter. Criteria: CeGaT Center For Human Genetics Tuebingen Variant Classification Criteria Version 2. Collection method: clinical testing. Allele origin: germline. Affected: yes. Observed: 1 variant allele.
Comment: MAP1B: BP4, BP7

NM_005909.5(MAP1B):c.5694C>T (p.Thr1898=)

Gene: MAP1B (microtubule associated protein 1B; plus strand). Cytogenetic location: 5q13.2.
Variant type: single nucleotide variant.
Coding change: c.5694C>T on transcript NM_005909.5 (MANE Select); coding-DNA position 5694, C replaced by T.
Protein change: p.Thr1898=; no amino-acid change (threonine 1898 retained).
Molecular consequence: synonymous variant.
Genome position (GRCh38, 1-based): chr5:72,199,049, C>T. VCF-style: chr5-72199049-C-T. GRCh37 (hg19) VCF-style: chr5-71494876-C-T.
Other names: c.5316C>T, p.Thr1772= (NM_001324255.2).
Identifiers: ClinVar variation 5039022 (VCV005039022.1).